The following is an entry in ClinVar:

NM_002049.4(GATA1):c.428C>T (p.Pro143Leu)

Gene: GATA1 (GATA binding protein 1; plus strand). Cytogenetic location: Xp11.23.
Variant type: single nucleotide variant.
Coding change: c.428C>T on transcript NM_002049.4 (MANE Select); coding-DNA position 428, C replaced by T.
Protein change: p.Pro143Leu; replaces proline 143 with leucine.
Molecular consequence: missense variant.
Genome position (GRCh38, 1-based): chrX:48,792,051, C>T. VCF-style: chrX-48792051-C-T. GRCh37 (hg19) VCF-style: chrX-48650458-C-T.
Other names: short protein forms P143L.
Identifiers: ClinVar variation 1925029 (VCV001925029.5), dbSNP rs2147306496, ClinGen allele CA412869088.

ClinVar aggregate classification (germline): Uncertain significance (1 of 4 stars; one submission).

Conditions:
Diamond-Blackfan anemia. Also called: Blackfan Diamond syndrome; Aregenerative anemia chronic congenital; Red cell aplasia, pure hereditary; Congenital hypoplastic anemia; Aase syndrome. Identifiers: Orphanet 124, MedGen C1260899, MeSH D029503, MONDO:0015253, HP:0004810.
GATA binding protein 1 related thrombocytopenia with dyserythropoiesis. Also called: GATA1-Related X-Linked Cytopenia; GATA1-Related Cytopenia. Identifiers: MedGen C1845837, MONDO:0100089.

Submission:

Labcorp Genetics (formerly Invitae), Labcorp
Classification: Uncertain significance for GATA binding protein 1 related thrombocytopenia with dyserythropoiesis; Diamond-Blackfan anemia. Last evaluated: 2022-06-17. Review status: criteria provided, single submitter. Criteria: Invitae Variant Classification Sherloc (09022015). Collection method: clinical testing. Allele origin: germline.
Comment: This sequence change replaces proline, which is neutral and non-polar, with leucine, which is neutral and non-polar, at codon 143 of the GATA1 protein (p.Pro143Leu). In summary, the available evidence is currently insufficient to determine the role of this variant in disease. Therefore, it has been classified as a Variant of Uncertain Significance. Algorithms developed to predict the effect of missense changes on protein structure and function are either unavailable or do not agree on the potential impact of this missense change (SIFT: "Deleterious"; PolyPhen-2: "Probably Damaging"; Align-GVGD: "Class C15"). This variant has not been reported in the literature in individuals affected with GATA1-related conditions. This variant is not present in population databases (gnomAD no frequency).